The following is an entry in ClinVar:

NM_001040108.2(MLH3):c.1257C>T (p.Asn419=)

Gene: MLH3 (mutL homolog 3; minus strand). Cytogenetic location: 14q24.3.
Variant type: single nucleotide variant.
Coding change: c.1257C>T on transcript NM_001040108.2 (MANE Select); coding-DNA position 1257, C replaced by T.
Protein change: p.Asn419=; no amino-acid change (asparagine 419 retained).
Molecular consequence: synonymous variant.
Genome position (GRCh38, 1-based): chr14:75,048,399, G>A on the plus strand (C>T on the coding strand, the complement: MLH3 is on the minus strand). VCF-style: chr14-75048399-G-A. GRCh37 (hg19) VCF-style: chr14-75515102-G-A.
Other names: c.1257C>T, p.Asn419= (NM_014381.3).
Identifiers: ClinVar variation 733061 (VCV000733061.12), dbSNP rs1594781328, ClinGen allele CA487273719.

ClinVar aggregate classification (germline): Benign/Likely benign. Review status: criteria provided, multiple submitters, no conflicts (2 of 4 stars). 3 submissions from 3 submitters: Benign (1); Likely benign (2). Last evaluated 2026-09-22.

Conditions:
Colorectal cancer, hereditary nonpolyposis, type 7. Identifiers: Orphanet 144, MedGen C1858380, MONDO:0013725, OMIM 614385.

Allele frequency attached by ClinVar (database versions not stated): gnomAD 0.00001; TOPMed 0.00001; gnomAD exomes 0.00001.
gnomAD v4.1: 18 of 1,608,546 alleles (0.0011%); highest among the groups gnomAD compares: African/African-American, 0.0013%; no homozygotes.

Submissions (3):

Myriad Genetics, Inc.
Classification: Benign for Colorectal cancer, hereditary nonpolyposis, type 7. Last evaluated: 2026-09-22. Review status: criteria provided, single submitter. Criteria: Myriad Autosomal Dominant, Autosomal Recessive and X-Linked Classification Criteria (2023). Collection method: clinical testing. Allele origin: unknown.
Comment: This variant is considered benign. This variant is a silent/synonymous amino acid change and it is not expected to impact splicing.

Labcorp Genetics (formerly Invitae), Labcorp
Classification: Likely benign for Colorectal cancer, hereditary nonpolyposis, type 7. Last evaluated: 2025-10-02. Review status: criteria provided, single submitter. Criteria: Invitae Variant Classification Sherloc (09022015). Collection method: clinical testing. Allele origin: germline.

Ambry Genetics
Classification: Likely benign. Last evaluated: 2020-08-25. Review status: criteria provided, single submitter. Criteria: Ambry Variant Classification Scheme 2023. Collection method: clinical testing. Allele origin: germline.